The following is an entry in ClinVar:

ClinVar aggregate classification (germline): Pathogenic. Review status: criteria provided, multiple submitters, no conflicts (2 of 4 stars). 3 submissions from 3 submitters: Pathogenic (2). 1 of the submissions does not count toward it. Last evaluated 2025-06-19.

Conditions:
MHC class II deficiency 1 (MHC2D1). Also called: BARE LYMPHOCYTE SYNDROME, TYPE II, COMPLEMENTATION GROUP A; SCID, HLA CLASS II-NEGATIVE; Bare lymphocyte syndrome type 2, complementation group A. Identifiers: MedGen C1859534, MONDO:0971005, OMIM 209920.
MHC class II deficiency. Also called: BLS, TYPE II; Bare lymphocyte syndrome 2. Identifiers: Orphanet 572, MedGen C5447452, MONDO:0008855.
MHC class II deficiency 4. Identifiers: MedGen C1859537, MONDO:0971015, OMIM 620817.

Allele frequency attached by ClinVar (database versions not stated): gnomAD exomes below 0.00001.

Submissions (3):

Revvity Omics, Revvity
Classification: Pathogenic for MHC class II deficiency 1. Last evaluated: 2025-06-19. Review status: criteria provided, single submitter. Criteria: ACMG Guidelines, 2015. Collection method: clinical testing. Allele origin: germline.

Labcorp Genetics (formerly Invitae), Labcorp
Classification: Pathogenic for MHC class II deficiency. Last evaluated: 2023-07-17. Review status: criteria provided, single submitter. Criteria: Invitae Variant Classification Sherloc (09022015). Collection method: clinical testing. Allele origin: germline.
Comment: This premature translational stop signal has been observed in individual(s) with MHC class II deficiency (PMID: 9118943, 20197681). This variant is not present in population databases (gnomAD no frequency). This sequence change creates a premature translational stop signal (p.Ser123Thrfs*15) in the RFXAP gene. It is expected to result in an absent or disrupted protein product. Loss-of-function variants in RFXAP are known to be pathogenic (PMID: 9118943, 22390233). This variant is also known as deletion of a G residue at nucleotide 484. For these reasons, this variant has been classified as Pathogenic. ClinVar contains an entry for this variant (Variation ID: 7651).

OMIM
Classification: Pathogenic for MHC CLASS II DEFICIENCY 4. Last evaluated: 1997-09-11. Review status: no assertion criteria provided. Collection method: literature only. Allele origin: germline. Not counted in ClinVar's aggregate classification.

Literature cited by the submitters: PubMed 9118943 (cited by Labcorp Genetics (formerly Invitae), Labcorp and OMIM); PubMed 20197681 (cited by Labcorp Genetics (formerly Invitae), Labcorp); PubMed 22390233 (cited by Labcorp Genetics (formerly Invitae), Labcorp); PubMed 7021490 (cited by OMIM); PubMed 650344 (cited by OMIM); PubMed 9287230 (cited by OMIM).

NM_000538.4(RFXAP):c.368del (p.Ser123fs)

Gene: RFXAP (regulatory factor X associated protein; plus strand). Cytogenetic location: 13q13.3.
Variant type: Deletion.
Coding change: c.368del on transcript NM_000538.4 (MANE Select); coding-DNA position 368, one base deleted (G; older notation c.368delG).
Protein change: p.Ser123fs; shifts the reading frame from serine 123.
Molecular consequence: frameshift variant.
Genome position (GRCh38, 1-based): chr13:36,819,725, G deleted. VCF-style (leftmost placement, unchanged base first): chr13-36819724-AG-A. GRCh37 (hg19) VCF-style: chr13-37393861-AG-A.
Other names: c.368delG, p.Ser123Thrfs (NM_000538.3); short protein forms S123fs.
Identifiers: ClinVar variation 7651 (VCV000007651.9), dbSNP rs775250354, ClinGen allele CA6950202.
Genomic context (GRCh38, chr13:36,819,724, plus strand): 5'-GAGAGCGCGGCTAGTTTGGAGGATCTAGAGGACGAGGAGACTCACTCGGGGGGCGAGGGC[AG>A]CAGCGGGGGCGCCCGGAGGCGGGGCAGCGGTGGGGGCAGCATGAGCAAGACCTGCACCTA-3'